The following is an entry in ClinVar:

NM_005121.3(MED13):c.1501G>A (p.Ala501Thr)

Gene: MED13 (mediator complex subunit 13; minus strand). Cytogenetic location: 17q23.2.
Variant type: single nucleotide variant.
Coding change: c.1501G>A on transcript NM_005121.3 (MANE Select); coding-DNA position 1501, G replaced by A.
Protein change: p.Ala501Thr; replaces alanine 501 with threonine.
Molecular consequence: missense variant.
Genome position (GRCh38, 1-based): chr17:62,011,016, C>T on the plus strand (G>A on the coding strand, the complement: MED13 is on the minus strand). VCF-style: chr17-62011016-C-T. GRCh37 (hg19) VCF-style: chr17-60088377-C-T.
Other names: c.1501G>A (NM_005121.2); short protein forms A501T.
Identifiers: ClinVar variation 2648015 (VCV002648015.25), dbSNP rs2080503093, ClinGen allele CA400518810.

ClinVar aggregate classification (germline): Uncertain significance. Review status: criteria provided, multiple submitters, no conflicts (2 of 4 stars). 2 submissions from 2 submitters: Uncertain significance (2). Last evaluated 2023-07-02.

Allele frequency attached by ClinVar (database versions not stated): TOPMed below 0.00001.

Submissions (2):

GeneDx
Classification: Uncertain significance. Last evaluated: 2023-07-02. Review status: criteria provided, single submitter. Criteria: GeneDx Variant Classification Process June 2021. Collection method: clinical testing. Allele origin: germline. Affected: yes.
Comment: Not observed at significant frequency in large population cohorts (gnomAD); In silico analysis supports that this missense variant does not alter protein structure/function; Has not been previously published as pathogenic or benign to our knowledge

CeGaT Center for Human Genetics Tuebingen
Classification: Uncertain significance. Last evaluated: 2022-11-01. Review status: criteria provided, single submitter. Criteria: CeGaT Center For Human Genetics Tuebingen Variant Classification Criteria Version 2. Collection method: clinical testing. Allele origin: germline. Affected: yes. Observed: 1 variant allele.
Comment: MED13: PM2, BP4